The following is an entry in ClinVar:

GRCh37/hg19 Xp11.23-11.22(chrX:48102202-52685635)x2

Genes: CCDC22 (CCC complex scaffolding subunit CCDC22; plus strand), CCNB3 (cyclin B3; plus strand), OTUD5 (OTU deubiquitinase 5; minus strand), PAGE1 (PAGE family member 1; minus strand), PAGE4 (PAGE family member 4; plus strand) and 71 more. Cytogenetic location: Xp11.23-11.22.
Variant type: copy number gain.
Change: copy number 2 of chrX:48,102,202-52,685,635 (4.58 Mb, GRCh37 coordinates, 1-based), cytogenetic band Xp11.23-11.22.
Identifiers: ClinVar variation 979777 (VCV000979777.1).

ClinVar aggregate classification (germline): Pathogenic (1 of 4 stars; one submission).

Submission:

Quest Diagnostics Nichols Institute San Juan Capistrano
Classification: Pathogenic. Last evaluated: 2023-09-14. Review status: criteria provided, single submitter. Criteria: ACMG/ClinGen CNV Guidelines, 2019. Collection method: clinical testing. Allele origin: unknown.
Comment: This duplication is consistent with the Xp11.22p11.23 recurrent region associated with chromosome Xp11.23-p11.22 duplication syndrome (OMIM 300801; ISCA-46290; Froyen 2007, Grams 2016, Nizon 2015, Rehm 2015). There are no similar copy number gains of this region in the general populations of the Database of Genomic Variants. Thus, this copy number variant (CNV) is classified as pathogenic. References: Froyen et al., Hum Mutat. 2007 Oct;28(10):1034-42. PMID: 17546640l Grams et al., Am J Med Genet A. 2016 Apr;170A(4):967-77. PMID: 26692240; Nizon et al., Am J Med Genet A. 2015 Jan;167A(1):111-22. PMID: 25425167; Rehm et al., N Engl J Med. 2015 Jun 4;372(23):2235-42. PMID: 26014595 (ISCA-46290)